The following is an entry in ClinVar:

ClinVar aggregate classification (germline): Uncertain significance (1 of 4 stars; one submission).

Allele frequency attached by ClinVar (database versions not stated): TOPMed below 0.00001.

Submission:

Ambry Genetics
Classification: Uncertain significance. Last evaluated: 2025-06-08. Review status: criteria provided, single submitter. Criteria: Ambry Variant Classification Scheme 2023. Collection method: clinical testing. Allele origin: germline.
Comment: The p.M1061T variant (also known as c.3182T>C), located in coding exon 1 of the MLH3 gene, results from a T to C substitution at nucleotide position 3182. The methionine at codon 1061 is replaced by threonine, an amino acid with similar properties. This amino acid position is conserved. In addition, this alteration is predicted to be tolerated by in silico analysis. Since supporting evidence is limited at this time, the clinical significance of this alteration remains unclear.

NM_001040108.2(MLH3):c.3182T>C (p.Met1061Thr)

Gene: MLH3 (mutL homolog 3; minus strand). Cytogenetic location: 14q24.3.
Variant type: single nucleotide variant.
Coding change: c.3182T>C on transcript NM_001040108.2 (MANE Select); coding-DNA position 3182, T replaced by C.
Protein change: p.Met1061Thr; replaces methionine 1061 with threonine.
Molecular consequence: missense variant.
Genome position (GRCh38, 1-based): chr14:75,046,474, A>G on the plus strand (T>C on the coding strand, the complement: MLH3 is on the minus strand). VCF-style: chr14-75046474-A-G. GRCh37 (hg19) VCF-style: chr14-75513177-A-G.
Other names: c.3182T>C, p.Met1061Thr (NM_014381.3); short protein forms M1061T.
Identifiers: ClinVar variation 1728557 (VCV001728557.3), dbSNP rs1892229120, ClinGen allele CA390435272.